The following is an entry in ClinVar:

NM_001743.6(CALM2):c.-56G>A

Gene: CALM2 (calmodulin 2; minus strand). Cytogenetic location: 2p21.
Variant type: single nucleotide variant.
Coding change: c.-56G>A on transcript NM_001743.6 (MANE Select); 56 bases upstream of the start codon, G replaced by A.
Molecular consequence: 5 prime UTR variant. On other transcripts: missense variant (1), intron variant (1).
Genome position (GRCh38, 1-based): chr2:47,176,499, C>T on the plus strand (G>A on the coding strand, the complement: CALM2 is on the minus strand). VCF-style: chr2-47176499-C-T. GRCh37 (hg19) VCF-style: chr2-47403638-C-T.
Other names: c.43G>A, p.Glu15Lys (NM_001305624.1); c.-106+350G>A (NM_001305625.2); short protein forms E15K.
Identifiers: ClinVar variation 1709364 (VCV001709364.2), dbSNP rs753460615, ClinGen allele CA346722682.

ClinVar aggregate classification (germline): Uncertain significance (1 of 4 stars; one submission).

Conditions:
Long QT syndrome 15 (LQT15). Identifiers: Orphanet 101016, Orphanet 768, MedGen C4015695, MONDO:0014550, OMIM 616249.

gnomAD v4.1: 2 of 1,610,564 alleles (0.00012%); highest among the groups gnomAD compares: Non-Finnish European, 0.00017%; no homozygotes.

Submission:

MGZ Medical Genetics Center
Classification: Uncertain significance for Long QT syndrome 15. Last evaluated: 2021-11-24. Review status: criteria provided, single submitter. Criteria: ACMG Guidelines, 2015. Collection method: clinical testing. Allele origin: germline. Affected: yes. Observed: 1 variant allele.
Comment: ACMG criteria applied: PM2_SUP, PP3